The following is an entry in ClinVar:

NM_014797.3(ZBTB24):c.1849A>G (p.Ile617Val)

Gene: ZBTB24 (zinc finger and BTB domain containing 24; minus strand). Cytogenetic location: 6q21.
Variant type: single nucleotide variant.
Coding change: c.1849A>G on transcript NM_014797.3 (MANE Select); coding-DNA position 1849, A replaced by G.
Protein change: p.Ile617Val; replaces isoleucine 617 with valine.
Molecular consequence: missense variant.
Genome position (GRCh38, 1-based): chr6:109,466,096, T>C on the plus strand (A>G on the coding strand, the complement: ZBTB24 is on the minus strand). VCF-style: chr6-109466096-T-C. GRCh37 (hg19) VCF-style: chr6-109787299-T-C.
Other names: short protein forms I617V.
Identifiers: ClinVar variation 2197304 (VCV002197304.1), dbSNP rs770667826, ClinGen allele CA3954010.

ClinVar aggregate classification (germline): Uncertain significance (1 of 4 stars; one submission).

Conditions:
Immunodeficiency-centromeric instability-facial anomalies syndrome 2 (ICF2). Identifiers: Orphanet 2268, MedGen C3279748, MONDO:0013553, OMIM 614069.

Allele frequency attached by ClinVar (database versions not stated): ExAC 0.00001; gnomAD exomes 0.00001.
gnomAD v4.1: 17 of 1,614,246 alleles (0.0011%); highest among the groups gnomAD compares: Non-Finnish European, 0.0014%; no homozygotes.

Submission:

Labcorp Genetics (formerly Invitae), Labcorp
Classification: Uncertain significance for Immunodeficiency-centromeric instability-facial anomalies syndrome 2. Last evaluated: 2022-03-15. Review status: criteria provided, single submitter. Criteria: Invitae Variant Classification Sherloc (09022015). Collection method: clinical testing. Allele origin: germline.
Comment: This sequence change replaces isoleucine, which is neutral and non-polar, with valine, which is neutral and non-polar, at codon 617 of the ZBTB24 protein (p.Ile617Val). This variant is present in population databases (rs770667826, gnomAD 0.003%). This variant has not been reported in the literature in individuals affected with ZBTB24-related conditions. Algorithms developed to predict the effect of missense changes on protein structure and function are either unavailable or do not agree on the potential impact of this missense change (SIFT: "Not Available"; PolyPhen-2: "Benign"; Align-GVGD: "Not Available"). In summary, the available evidence is currently insufficient to determine the role of this variant in disease. Therefore, it has been classified as a Variant of Uncertain Significance.